The following is an entry in ClinVar:

NM_001482.3(GATM):c.122C>T (p.Ala41Val)

Gene: GATM (glycine amidinotransferase; minus strand). Cytogenetic location: 15q21.1.
Variant type: single nucleotide variant.
Coding change: c.122C>T on transcript NM_001482.3 (MANE Select); coding-DNA position 122, C replaced by T.
Protein change: p.Ala41Val; replaces alanine 41 with valine.
Molecular consequence: missense variant. On other transcripts: 5 prime UTR variant (1).
Genome position (GRCh38, 1-based): chr15:45,376,767, G>A on the plus strand (C>T on the coding strand, the complement: GATM is on the minus strand). VCF-style: chr15-45376767-G-A. GRCh37 (hg19) VCF-style: chr15-45668965-G-A.
Other names: c.-266C>T (NM_001321015.2); short protein forms A41V.
Identifiers: ClinVar variation 1419926 (VCV001419926.8), dbSNP rs2140657480, ClinGen allele CA392265687.

ClinVar aggregate classification (germline): Uncertain significance (1 of 4 stars; one submission).

Conditions:
Arginine:glycine amidinotransferase deficiency (CCDS3). Also called: AGAT deficiency; L-Arginine:Glycine Amidinotransferase Deficiency; Creatine deficiency syndrome due to AGAT deficiency; GATM deficiency; L-Arginine:Glycine Amidinotransferase (AGAT) Deficiency; Cerebral creatine deficiency syndrome 3. Identifiers: Orphanet 35704, MedGen C2675179, MONDO:0012996, OMIM 612718.

Allele frequency attached by ClinVar (database versions not stated): gnomAD exomes below 0.00001.
gnomAD v4.1: 4 of 1,614,186 alleles (0.00025%); highest among the groups gnomAD compares: Non-Finnish European, 0.00034%; no homozygotes.

Submission:

Labcorp Genetics (formerly Invitae), Labcorp
Classification: Uncertain significance for Arginine:glycine amidinotransferase deficiency. Last evaluated: 2024-01-12. Review status: criteria provided, single submitter. Criteria: Invitae Variant Classification Sherloc (09022015). Collection method: clinical testing. Allele origin: germline.
Comment: This sequence change replaces alanine, which is neutral and non-polar, with valine, which is neutral and non-polar, at codon 41 of the GATM protein (p.Ala41Val). This variant is not present in population databases (gnomAD no frequency). This variant has not been reported in the literature in individuals affected with GATM-related conditions. ClinVar contains an entry for this variant (Variation ID: 1419926). An algorithm developed to predict the effect of missense changes on protein structure and function (PolyPhen-2) suggests that this variant is likely to be tolerated. In summary, the available evidence is currently insufficient to determine the role of this variant in disease. Therefore, it has been classified as a Variant of Uncertain Significance.